The following is an entry in ClinVar:

ClinVar aggregate classification (germline): Uncertain significance. Review status: criteria provided, single submitter (1 of 4 stars). 2 submissions from 2 submitters: Uncertain significance (1). 1 of the submissions does not count toward it. Last evaluated 2023-12-14.

Conditions:
SLC51A-related disorder. Also called: SLC51A-related condition.

Allele frequency attached by ClinVar (database versions not stated): ExAC 0.00001; gnomAD 0.00005; TOPMed 0.00005; ESP Exome Variant Server 0.00008; gnomAD exomes 0.00011.
gnomAD v4.1: 169 of 1,612,456 alleles (0.01%); highest among the groups gnomAD compares: Non-Finnish European, 0.014%; no homozygotes.

Submissions (2):

Ambry Genetics
Classification: Uncertain significance. Last evaluated: 2023-12-14. Review status: criteria provided, single submitter. Criteria: Ambry Variant Classification Scheme 2023. Collection method: clinical testing. Allele origin: germline.

PreventionGenetics, part of Exact Sciences
Classification: Uncertain significance for SLC51A-related condition. Last evaluated: 2023-12-12. Review status: no assertion criteria provided. Collection method: clinical testing. Allele origin: germline. Not counted in ClinVar's aggregate classification.
Comment: The SLC51A c.124C>T variant is predicted to result in the amino acid substitution p.Leu42Phe. To our knowledge, this variant has not been reported in the literature. This variant is reported in 0.0051% of alleles in individuals of East Asian descent in gnomAD. At this time, the clinical significance of this variant is uncertain due to the absence of conclusive functional and genetic evidence.

NM_152672.6(SLC51A):c.124C>T (p.Leu42Phe)

Gene: SLC51A (solute carrier family 51 member A; plus strand). Cytogenetic location: 3q29.
Variant type: single nucleotide variant.
Coding change: c.124C>T on transcript NM_152672.6 (MANE Select); coding-DNA position 124, C replaced by T.
Protein change: p.Leu42Phe; replaces leucine 42 with phenylalanine.
Molecular consequence: missense variant.
Genome position (GRCh38, 1-based): chr3:196,217,927, C>T. VCF-style: chr3-196217927-C-T. GRCh37 (hg19) VCF-style: chr3-195944798-C-T.
Other names: short protein forms L42F.
Identifiers: ClinVar variation 3029317 (VCV003029317.3), dbSNP rs370423851, ClinGen allele CA2778901.